The following is an entry in ClinVar:

ClinVar aggregate classification (germline): Pathogenic (1 of 4 stars; one submission).

Conditions:
Landau-Kleffner syndrome (FESD). Also called: EPILEPSY, FOCAL, WITH SPEECH DISORDER AND WITH OR WITHOUT MENTAL RETARDATION; APHASIA, ACQUIRED, WITH EPILEPSY. Identifiers: Orphanet 1945, Orphanet 725, Orphanet 98818, MedGen C0282512, MONDO:0009509, OMIM 245570.

Submission:

Labcorp Genetics (formerly Invitae), Labcorp
Classification: Pathogenic for Landau-Kleffner syndrome. Last evaluated: 2024-06-09. Review status: criteria provided, single submitter. Criteria: Invitae Variant Classification Sherloc (09022015). Collection method: clinical testing. Allele origin: germline.
Comment: This sequence change creates a premature translational stop signal (p.Leu65Argfs*3) in the GRIN2A gene. It is expected to result in an absent or disrupted protein product. Loss-of-function variants in GRIN2A are known to be pathogenic (PMID: 23933819, 23933820). This variant is not present in population databases (gnomAD no frequency). This variant has not been reported in the literature in individuals affected with GRIN2A-related conditions. For these reasons, this variant has been classified as Pathogenic.

Literature cited by the submitters: PubMed 23933819; PubMed 23933820.

NM_001134407.3(GRIN2A):c.194del (p.Leu65fs)

Gene: GRIN2A (glutamate ionotropic receptor NMDA type subunit 2A; minus strand). Cytogenetic location: 16p13.2.
Variant type: Deletion.
Coding change: c.194del on transcript NM_001134407.3 (MANE Select); coding-DNA position 194, one base deleted (T; older notation c.194delT).
Protein change: p.Leu65fs; shifts the reading frame from leucine 65.
Molecular consequence: frameshift variant.
Genome position (GRCh38, 1-based): chr16:10,180,218, A deleted on the plus strand (T on the coding strand, the reverse complement: GRIN2A is on the minus strand). VCF-style (leftmost placement, unchanged base first): chr16-10180217-CA-C. GRCh37 (hg19) VCF-style: chr16-10274074-CA-C.
Other names: c.194del, p.Leu65fs (NM_000833.5, NM_001134408.2); short protein forms L65fs.
Identifiers: ClinVar variation 3655966 (VCV003655966.2).